The following is an entry in ClinVar:

ClinVar aggregate classification (germline): Benign (1 of 4 stars; one submission).

Conditions:
Megalencephalic leukoencephalopathy with subcortical cysts 1 (MLC1). Also called: LEUKOENCEPHALOPATHY WITH SWELLING AND CYSTS; VACUOLATING MEGALENCEPHALIC LEUKOENCEPHALOPATHY WITH SUBCORTICAL CYSTS. Identifiers: Orphanet 2478, MedGen C5779875, MONDO:0024555, OMIM 604004.

Allele frequency attached by ClinVar (database versions not stated): 1000 Genomes Project 30x 0.00547; 1000 Genomes Project 0.00579; gnomAD 0.00720 and 0.00778; TOPMed 0.00768.

Submission:

Illumina Laboratory Services, Illumina
Classification: Benign for Megalencephalic leukoencephalopathy with subcortical cysts 1. Last evaluated: 2018-01-12. Review status: criteria provided, single submitter. Criteria: ICSL Variant Classification Criteria 13 December 2019. Collection method: clinical testing. Allele origin: germline.
Comment: This variant was observed in the ICSL laboratory as part of a predisposition screen in an ostensibly healthy population. It had not been previously curated by ICSL or reported in the Human Gene Mutation Database (HGMD: prior to June 1st, 2018), and was therefore a candidate for classification through an automated scoring system. Utilizing variant allele frequency, disease prevalence and penetrance estimates, and inheritance mode, an automated score was calculated to assess if this variant is too frequent to cause the disease. Based on the score and internal cut-off values, a variant classified as benign is not then subjected to further curation. The score for this variant resulted in a classification of benign for this disease.

NM_015166.4(MLC1):c.*1321A>G

Gene: MLC1 (modulator of VRAC current 1; minus strand). Cytogenetic location: 22q13.33.
Variant type: single nucleotide variant.
Coding change: c.*1321A>G on transcript NM_015166.4 (MANE Select); 1321 bases downstream of the stop codon, A replaced by G.
Molecular consequence: 3 prime UTR variant. On other transcripts: intron variant (2).
Genome position (GRCh38, 1-based): chr22:50,060,262, T>C on the plus strand (A>G on the coding strand, the complement: MLC1 is on the minus strand). VCF-style: chr22-50060262-T-C. GRCh37 (hg19) VCF-style: chr22-50498691-T-C.
Other names: c.*1321A>G (NM_001376472.1, NM_001376473.1, NM_001376474.1 and 9 more transcripts); c.*46-110A>G (NM_001376478.1, NM_001376477.1).
Identifiers: ClinVar variation 901308 (VCV000901308.4), dbSNP rs149073568, ClinGen allele CA325478407.
Genomic context (GRCh38, chr22:50,060,262, plus strand): 5'-TGCTGGAAAGTAATTATCAAAGTAACAGCATTCCAGTTTCACAGTCGCCCCAACTCACTG[T>C]GGATTTACTGCCGTCAGCTGGGAGGACCCAGGCGCCCTCGGGACGAGGAGACGCAGGGAA-3'